The following is an entry in ClinVar:

ClinVar aggregate classification (germline): Uncertain significance. Review status: criteria provided, multiple submitters, no conflicts (2 of 4 stars). 3 submissions from 3 submitters: Uncertain significance (3). Last evaluated 2025-06-17.

Conditions:
Familial cancer of breast. Also called: BREAST CANCER, FAMILIAL; Hereditary breast cancer; hereditary breast carcinoma. Identifiers: Orphanet 227535, MedGen C0346153, MONDO:0016419, OMIM 114480. Disease mechanism: loss of function.
Hereditary cancer-predisposing syndrome. Also called: Neoplastic Syndromes, Hereditary; Tumor predisposition; Hereditary neoplastic syndrome; Hereditary Cancer Syndrome. Identifiers: Orphanet 140162, MedGen C0027672, MeSH D009386, MONDO:0015356.

Allele frequency attached by ClinVar (database versions not stated): gnomAD exomes 0.00001.
gnomAD v4.1: 8 of 1,611,164 alleles (0.0005%); highest among the groups gnomAD compares: Non-Finnish European, 0.00068%; no homozygotes.

Submissions (3):

Color Diagnostics, LLC DBA Color Health
Classification: Uncertain significance for Hereditary cancer-predisposing syndrome. Last evaluated: 2025-06-17. Review status: criteria provided, single submitter. Criteria: ACMG Guidelines, 2015. Collection method: clinical testing. Allele origin: germline.
Comment: This variant causes a G to A nucleotide substitution at the -9 position in the 5' untranslated region of the MSH6 gene. To our knowledge, gene expression studies have not been reported for this variant. This variant has not been reported in individuals affected with MSH6-related disorders in the literature. This variant has not been identified in the general population by the Genome Aggregation Database (gnomAD). The available evidence is insufficient to determine the role of this variant in disease conclusively. Therefore, this variant is classified as a Variant of Uncertain Significance.

Department of Pathology and Laboratory Medicine, Sinai Health System
Classification: Uncertain significance for hereditary breast carcinoma. Last evaluated: 2022-12-22. Review status: criteria provided, single submitter. Criteria: ACMG Guidelines, 2015. Collection method: clinical testing. Allele origin: germline. Affected: yes.

Women's Health and Genetics/Laboratory Corporation of America, LabCorp
Classification: Uncertain significance. Last evaluated: 2018-10-08. Review status: criteria provided, single submitter. Criteria: LabCorp Variant Classification Summary - May 2015. Collection method: clinical testing. Allele origin: germline.
Comment: Variant summary: MSH6 c.-9G>A is located in the untranslated mRNA region upstream of the initiation codon. The variant was absent in 115414 control chromosomes. The available data on variant occurrences in the general population are insufficient to allow any conclusion about variant significance. To our knowledge, no occurrence of c.-9G>A in individuals affected with Lynch Syndrome and no experimental evidence demonstrating its impact on protein function have been reported. No clinical diagnostic laboratories have submitted clinical-significance assessments for this variant to ClinVar after 2014. Based on the evidence outlined above, the variant was classified as uncertain significance.

NM_000179.3(MSH6):c.-9G>A

Gene: MSH6 (mutS homolog 6; plus strand). Cytogenetic location: 2p16.3.
Variant type: single nucleotide variant.
Coding change: c.-9G>A on transcript NM_000179.3 (MANE Select); 9 bases upstream of the start codon, G replaced by A.
Molecular consequence: 5 prime UTR variant.
Genome position (GRCh38, 1-based): chr2:47,783,225, G>A. VCF-style: chr2-47783225-G-A. GRCh37 (hg19) VCF-style: chr2-48010364-G-A.
Other names: c.-9G>A (NM_001281492.2); c.-745G>A (NM_001281493.2).
Identifiers: ClinVar variation 628020 (VCV000628020.5), dbSNP rs1558644641, ClinGen allele CA913187940.